The following is an entry in ClinVar:

NM_012388.4(BLOC1S6):c.120G>A (p.Glu40=)

Gene: BLOC1S6 (biogenesis of lysosomal organelles complex 1 subunit 6; plus strand). Cytogenetic location: 15q21.1.
Variant type: single nucleotide variant.
Coding change: c.120G>A on transcript NM_012388.4 (MANE Select); coding-DNA position 120, G replaced by A.
Protein change: p.Glu40=; no amino-acid change (glutamic acid 40 retained).
Molecular consequence: synonymous variant. On other transcripts: non-coding transcript variant (5).
Genome position (GRCh38, 1-based): chr15:45,592,172, G>A. VCF-style: chr15-45592172-G-A. GRCh37 (hg19) VCF-style: chr15-45884370-G-A.
Other names: c.135G>A, p.Glu45= (NM_001311255.1, NM_001311256.1).
Identifiers: ClinVar variation 2099471 (VCV002099471.4), dbSNP rs1893911373, ClinGen allele CA490289206.

ClinVar aggregate classification (germline): Uncertain significance (1 of 4 stars; one submission).

Conditions:
Hermansky-Pudlak syndrome 9 (HPS9). Identifiers: Orphanet 280663, Orphanet 79430, MedGen C3280026, MONDO:0013606, OMIM 614171.

Submission:

Labcorp Genetics (formerly Invitae), Labcorp
Classification: Uncertain significance for Hermansky-Pudlak syndrome 9. Last evaluated: 2022-08-09. Review status: criteria provided, single submitter. Criteria: Invitae Variant Classification Sherloc (09022015). Collection method: clinical testing. Allele origin: germline.
Comment: In summary, the available evidence is currently insufficient to determine the role of this variant in disease. Therefore, it has been classified as a Variant of Uncertain Significance. Algorithms developed to predict the effect of sequence changes on RNA splicing suggest that this variant may create or strengthen a splice site. This variant has not been reported in the literature in individuals affected with BLOC1S6-related conditions. This variant is not present in population databases (gnomAD no frequency). This sequence change affects codon 40 of the BLOC1S6 mRNA. It is a 'silent' change, meaning that it does not change the encoded amino acid sequence of the BLOC1S6 protein.